The following is an entry in ClinVar:

NM_001204.7(BMPR2):c.2752C>T (p.Gln918Ter)

Gene: BMPR2 (bone morphogenetic protein receptor type 2; plus strand). Cytogenetic location: 2q33.2.
Variant type: single nucleotide variant.
Coding change: c.2752C>T on transcript NM_001204.7 (MANE Select); coding-DNA position 2752, C replaced by T.
Protein change: p.Gln918Ter; replaces glutamine 918 with a stop codon.
Molecular consequence: nonsense.
Genome position (GRCh38, 1-based): chr2:202,556,417, C>T. VCF-style: chr2-202556417-C-T. GRCh37 (hg19) VCF-style: chr2-203421140-C-T.
Other names: c.2752C>T, p.Q918* (LRG_712t1); short protein forms Q918*.
Identifiers: ClinVar variation 426006 (VCV000426006.5), dbSNP rs1085307401, ClinGen allele CA350349629.

ClinVar aggregate classification (germline): Pathogenic. Review status: criteria provided, single submitter (1 of 4 stars). 2 submissions from 2 submitters: Pathogenic (1). 1 of the submissions does not count toward it. Last evaluated 2025-12-13.

Conditions:
Pulmonary hypertension, primary, 1 (PPH1). Also called: Pulmonary hypertension, familial primary, 1, with or without HHT. Identifiers: Orphanet 422, MedGen C4552070, MONDO:0024533, OMIM 178600.
Primary pulmonary hypertension. Also called: Idiopathic pulmonary hypertension. Identifiers: MedGen C0152171.

Submissions (2):

Labcorp Genetics (formerly Invitae), Labcorp
Classification: Pathogenic for Primary pulmonary hypertension. Last evaluated: 2025-12-13. Review status: criteria provided, single submitter. Criteria: Invitae Variant Classification Sherloc (09022015). Collection method: clinical testing. Allele origin: germline.
Comment: This sequence change creates a premature translational stop signal (p.Gln918*) in the BMPR2 gene. It is expected to result in an absent or disrupted protein product. Loss-of-function variants in BMPR2 are known to be pathogenic (PMID: 16429395). This variant is not present in population databases (gnomAD no frequency). This premature translational stop signal has been observed in individuals with pulmonary arterial hypertension (PMID: 25429696; internal data). ClinVar contains an entry for this variant (Variation ID: 426006). For these reasons, this variant has been classified as Pathogenic.

Rare Disease Genomics Group, St George's University of London
Classification: Pathogenic for Primary pulmonary hypertension. Review status: no assertion criteria provided. Collection method: literature only. Allele origin: germline. Affected: yes. Not counted in ClinVar's aggregate classification.

Literature cited by the submitters: PubMed 16429395 (cited by Labcorp Genetics (formerly Invitae), Labcorp); PubMed 25429696 (cited by Labcorp Genetics (formerly Invitae), Labcorp and Rare Disease Genomics Group, St George's University of London).